The following is an entry in ClinVar:

NM_018263.6(ASXL2):c.4285G>A (p.Val1429Ile)

Gene: ASXL2 (ASXL transcriptional regulator 2; minus strand). Cytogenetic location: 2p23.3.
Variant type: single nucleotide variant.
Coding change: c.4285G>A on transcript NM_018263.6 (MANE Select); coding-DNA position 4285, G replaced by A.
Protein change: p.Val1429Ile; replaces valine 1429 with isoleucine.
Molecular consequence: missense variant.
Genome position (GRCh38, 1-based): chr2:25,742,052, C>T on the plus strand (G>A on the coding strand, the complement: ASXL2 is on the minus strand). VCF-style: chr2-25742052-C-T. GRCh37 (hg19) VCF-style: chr2-25964921-C-T.
Other names: c.4111G>A, p.Val1371Ile (NM_001369346.1); c.3505G>A, p.Val1169Ile (NM_001369347.1); short protein forms V1371I, V1429I, V1169I.
Identifiers: ClinVar variation 2131135 (VCV002131135.4), dbSNP rs754392619, ClinGen allele CA1557321.

ClinVar aggregate classification (germline): Uncertain significance (1 of 4 stars; one submission).

Allele frequency attached by ClinVar (database versions not stated): gnomAD exomes below 0.00001; ExAC 0.00001.
gnomAD v4.1: 4 of 1,613,454 alleles (0.00025%); highest among the groups gnomAD compares: East Asian, 0.0022%; no homozygotes.

Submission:

Labcorp Genetics (formerly Invitae), Labcorp
Classification: Uncertain significance. Last evaluated: 2022-08-06. Review status: criteria provided, single submitter. Criteria: Invitae Variant Classification Sherloc (09022015). Collection method: clinical testing. Allele origin: germline.
Comment: This variant is present in population databases (rs754392619, gnomAD 0.003%). In summary, the available evidence is currently insufficient to determine the role of this variant in disease. Therefore, it has been classified as a Variant of Uncertain Significance. Algorithms developed to predict the effect of missense changes on protein structure and function are either unavailable or do not agree on the potential impact of this missense change (SIFT: "Deleterious"; PolyPhen-2: "Not Available"; Align-GVGD: "Class C25"). This variant has not been reported in the literature in individuals affected with ASXL2-related conditions. This sequence change replaces valine, which is neutral and non-polar, with isoleucine, which is neutral and non-polar, at codon 1429 of the ASXL2 protein (p.Val1429Ile).